The following is an entry in ClinVar:

NM_000232.5(SGCB):c.358C>T (p.His120Tyr)

Gene: SGCB (sarcoglycan beta; minus strand). Cytogenetic location: 4q12.
Variant type: single nucleotide variant.
Coding change: c.358C>T on transcript NM_000232.5 (MANE Select); coding-DNA position 358, C replaced by T.
Protein change: p.His120Tyr; replaces histidine 120 with tyrosine.
Molecular consequence: missense variant.
Genome position (GRCh38, 1-based): chr4:52,029,749, G>A on the plus strand (C>T on the coding strand, the complement: SGCB is on the minus strand). VCF-style: chr4-52029749-G-A. GRCh37 (hg19) VCF-style: chr4-52895915-G-A.
Other names: short protein forms H120Y.
Identifiers: ClinVar variation 2016656 (VCV002016656.4), dbSNP rs2475223657, ClinGen allele CA356877263.

ClinVar aggregate classification (germline): Uncertain significance (1 of 4 stars; one submission).

Conditions:
Autosomal recessive limb-girdle muscular dystrophy type 2E (LGMDR4). Also called: MUSCULAR DYSTROPHY, LIMB-GIRDLE, AUTOSOMAL RECESSIVE 4. Identifiers: Orphanet 119, MedGen C1858593, MONDO:0011423, OMIM 604286. Disease mechanism: Affects gamma-sarcoglycan and also disrupts the integrity of the entire sarcoglycan complex..

Submission:

Labcorp Genetics (formerly Invitae), Labcorp
Classification: Uncertain significance for Autosomal recessive limb-girdle muscular dystrophy type 2E. Last evaluated: 2022-07-13. Review status: criteria provided, single submitter. Criteria: Invitae Variant Classification Sherloc (09022015). Collection method: clinical testing. Allele origin: germline.
Comment: This sequence change replaces histidine, which is basic and polar, with tyrosine, which is neutral and polar, at codon 120 of the SGCB protein (p.His120Tyr). This variant is not present in population databases (gnomAD no frequency). This variant has not been reported in the literature in individuals affected with SGCB-related conditions. Algorithms developed to predict the effect of missense changes on protein structure and function are either unavailable or do not agree on the potential impact of this missense change (SIFT: "Deleterious"; PolyPhen-2: "Benign"; Align-GVGD: "Class C35"). In summary, the available evidence is currently insufficient to determine the role of this variant in disease. Therefore, it has been classified as a Variant of Uncertain Significance.